The following is an entry in ClinVar:

ClinVar aggregate classification (germline): Benign. Review status: criteria provided, multiple submitters, no conflicts (2 of 4 stars). 7 submissions from 7 submitters: Benign (5). 2 of the submissions do not count toward it. Last evaluated 2026-02-04.

Conditions:
Retinal dystrophy. Also called: Inherited retinal dystrophy. Identifiers: Orphanet 71862, MedGen C0854723, MeSH D058499, MONDO:0019118, HP:0000556.
Retinitis pigmentosa (RP). Identifiers: Orphanet 791, MedGen C0035334, MeSH D012174, MONDO:0019200, OMIM 268000. Inheritance: Autosomal dominant, autosomal recessive and X linked inheritance.
Retinitis pigmentosa 48 (RP48). Also called: GUCA1B-Related Retinitis Pigmentosa. Identifiers: Orphanet 791, MedGen C3151190, MONDO:0013447, OMIM 613827.

Allele frequency attached by ClinVar (database versions not stated): ESP Exome Variant Server 0.51384; TOPMed 0.52918; gnomAD 0.53171 and 0.54466; 1000 Genomes Project 30x 0.57121; 1000 Genomes Project 0.58486; gnomAD exomes 0.63597 and 0.64679; ExAC 0.63747.

Submissions (7):

Labcorp Genetics (formerly Invitae), Labcorp
Classification: Benign. Last evaluated: 2026-02-04. Review status: criteria provided, single submitter. Criteria: Invitae Variant Classification Sherloc (09022015). Collection method: clinical testing. Allele origin: germline.

Dept Of Ophthalmology, Nagoya University
Classification: Benign for Retinal dystrophy. Last evaluated: 2023-10-01. Review status: criteria provided, single submitter. Criteria: Submitter's publication. Collection method: research. Allele origin: germline. Affected: yes.

Genome-Nilou Lab
Classification: Benign for Retinitis pigmentosa 48. Last evaluated: 2021-08-10. Review status: criteria provided, single submitter. Criteria: ACMG Guidelines, 2015. Collection method: clinical testing. Allele origin: germline. Affected: no.

GeneDx
Classification: Benign. Last evaluated: 2019-02-27. Review status: criteria provided, single submitter. Criteria: GeneDx Variant Classification Process June 2021. Collection method: clinical testing. Allele origin: germline. Affected: yes.

Illumina Laboratory Services, Illumina
Classification: Benign for Retinitis pigmentosa. Last evaluated: 2018-01-13. Review status: criteria provided, single submitter. Criteria: ICSL Variant Classification Criteria 13 December 2019. Collection method: clinical testing. Allele origin: germline.
Comment: This variant was observed in the ICSL laboratory as part of a predisposition screen in an ostensibly healthy population. It had not been previously curated by ICSL or reported in the Human Gene Mutation Database (HGMD: prior to June 1st, 2018), and was therefore a candidate for classification through an automated scoring system. Utilizing variant allele frequency, disease prevalence and penetrance estimates, and inheritance mode, an automated score was calculated to assess if this variant is too frequent to cause the disease. Based on the score and internal cut-off values, a variant classified as benign is not then subjected to further curation. The score for this variant resulted in a classification of benign for this disease.

Diagnostic Laboratory, Department of Genetics, University Medical Center Groningen
Classification: Benign. Review status: no assertion criteria provided. Collection method: clinical testing. Allele origin: germline. Affected: yes. Study: VKGL Data-share Consensus. Not counted in ClinVar's aggregate classification.

Joint Genome Diagnostic Labs from Nijmegen and Maastricht, Radboudumc and MUMC+
Classification: Benign. Review status: no assertion criteria provided. Collection method: clinical testing. Allele origin: germline. Affected: yes. Study: VKGL Data-share Consensus. Not counted in ClinVar's aggregate classification.

NM_002098.6(GUCA1B):c.171T>C (p.Tyr57=)

Gene: GUCA1B (guanylate cyclase activator 1B; minus strand). Cytogenetic location: 6p21.1.
Variant type: single nucleotide variant.
Coding change: c.171T>C on transcript NM_002098.6 (MANE Select); coding-DNA position 171, T replaced by C.
Protein change: p.Tyr57=; no amino-acid change (tyrosine 57 retained).
Molecular consequence: synonymous variant.
Genome position (GRCh38, 1-based): chr6:42,194,650, A>G on the plus strand (T>C on the coding strand, the complement: GUCA1B is on the minus strand). VCF-style: chr6-42194650-A-G. GRCh37 (hg19) VCF-style: chr6-42162388-A-G.
Identifiers: ClinVar variation 356736 (VCV000356736.22), dbSNP rs3749921, ClinGen allele CA3805636.
Genomic context (GRCh38, chr6:42,194,650, plus strand): 5'-GTCCTTCCCTTCAGGGTGCCTTACCCCATTCTTGTCGAAGGCTCGGAACATGCCCTCTAC[A>G]TACTGGGAGGCCTCCTCATCGTCTGTGACCTTGAAGAAGCGCTTAAACTCATGCATAAAG-3'
Protein context (NP_002089.4, residues 47-67): KVTDDEEASQ[Tyr57=]VEGMFRAFDK